The following is an entry in ClinVar:

ClinVar aggregate classification (germline): Uncertain significance (1 of 4 stars; one submission).

Submission:

GeneDx
Classification: Uncertain significance. Last evaluated: 2026-02-11. Review status: criteria provided, single submitter. Criteria: GeneDx Variant Classification Process June 2021. Collection method: clinical testing. Allele origin: germline.
Comment: Not observed at significant frequency in large population cohorts (gnomAD); In silico analysis supports that this missense variant has a deleterious effect on protein structure/function; Has not been previously published as pathogenic or benign to our knowledge

NM_020738.4(KIDINS220):c.2978C>T (p.Pro993Leu)

Gene: KIDINS220 (kinase D interacting substrate 220; minus strand). Cytogenetic location: 2p25.1.
Variant type: single nucleotide variant.
Coding change: c.2978C>T on transcript NM_020738.4 (MANE Select); coding-DNA position 2978, C replaced by T.
Protein change: p.Pro993Leu; replaces proline 993 with leucine.
Molecular consequence: missense variant. On other transcripts: non-coding transcript variant (2).
Genome position (GRCh38, 1-based): chr2:8,770,703, G>A on the plus strand (C>T on the coding strand, the complement: KIDINS220 is on the minus strand). VCF-style: chr2-8770703-G-A. GRCh37 (hg19) VCF-style: chr2-8910833-G-A.
Other names: c.2981C>T, p.Pro994Leu (NM_001348729.2, NM_001348731.2, NM_001348734.2 and 3 more transcripts); c.2978C>T, p.Pro993Leu (NM_001348732.2, NM_001348735.2, NM_001348738.2 and 3 more transcripts); c.2852C>T, p.Pro951Leu (NM_001348736.2); short protein forms P951L, P993L, P994L.
Identifiers: ClinVar variation 3360131 (VCV003360131.2).
Genomic context (GRCh38, chr2:8,770,703, plus strand): 5'-AAAATACAAAGAGGTCACAAAAGGTACCTTTCGTAGATGGTTTTTAATGTCATTTGATCT[G>A]GAATACCTTCAGTCTCTTCCAAATATAATATGAGCCATGAAGTCCGGTATGGCCACTGCT-3'
Protein context (NP_065789.1, residues 983-1003): ILYLEETEGI[Pro993Leu]DQMTLKTIYE